The following is an entry in ClinVar:

ClinVar aggregate classification (germline): Uncertain significance (1 of 4 stars; one submission).

Allele frequency attached by ClinVar (database versions not stated): gnomAD exomes below 0.00001; gnomAD 0.00001.
gnomAD v4.1: 3 of 1,605,464 alleles (0.00019%); highest among the groups gnomAD compares: Non-Finnish European, 0.00025%; no homozygotes.

Submission:

Labcorp Genetics (formerly Invitae), Labcorp
Classification: Uncertain significance. Last evaluated: 2022-05-06. Review status: criteria provided, single submitter. Criteria: Invitae Variant Classification Sherloc (09022015). Collection method: clinical testing. Allele origin: germline.
Comment: This variant has not been reported in the literature in individuals affected with TRRAP-related conditions. In summary, the available evidence is currently insufficient to determine the role of this variant in disease. Therefore, it has been classified as a Variant of Uncertain Significance. Algorithms developed to predict the effect of missense changes on protein structure and function (SIFT, PolyPhen-2, Align-GVGD) all suggest that this variant is likely to be tolerated. This variant is present in population databases (no rsID available, gnomAD 0.007%). This sequence change replaces methionine, which is neutral and non-polar, with valine, which is neutral and non-polar, at codon 2862 of the TRRAP protein (p.Met2862Val).

NM_001375524.1(TRRAP):c.8659A>G (p.Met2887Val)

Gene: TRRAP (transformation/transcription domain associated protein; plus strand). Cytogenetic location: 7q22.1.
Variant type: single nucleotide variant.
Coding change: c.8659A>G on transcript NM_001375524.1 (MANE Select); coding-DNA position 8659, A replaced by G.
Protein change: p.Met2887Val; replaces methionine 2887 with valine.
Molecular consequence: missense variant.
Genome position (GRCh38, 1-based): chr7:98,981,793, A>G. VCF-style: chr7-98981793-A-G. GRCh37 (hg19) VCF-style: chr7-98579416-A-G.
Other names: c.8638A>G, p.Met2880Val (NM_001244580.2); c.8584A>G, p.Met2862Val (NM_003496.4); short protein forms M2880V, M2862V, M2887V.
Identifiers: ClinVar variation 2128229 (VCV002128229.4), dbSNP rs1463784065, ClinGen allele CA368310025.